The following is an entry in ClinVar:

NM_001267550.2(TTN):c.98294C>G (p.Ala32765Gly)

Genes: TTN (titin; minus strand), TTN-AS1 (TTN antisense RNA 1; plus strand). Cytogenetic location: 2q31.2.
Variant type: single nucleotide variant.
Coding change: c.98294C>G on transcript NM_001267550.2 (MANE Select); coding-DNA position 98294, C replaced by G.
Protein change: p.Ala32765Gly; replaces alanine 32765 with glycine.
Molecular consequence: missense variant. On other transcripts: non-coding transcript variant (1).
Genome position (GRCh38, 1-based): chr2:178,539,771, G>C on the plus strand (C>G on the coding strand, the complement: TTN is on the minus strand). VCF-style: chr2-178539771-G-C. GRCh37 (hg19) VCF-style: chr2-179404498-G-C.
Other names: p.A31124G:GCA>GGA; p.Ala31124Gly; c.93371C>G, p.Ala31124Gly (NM_001256850.1); c.90590C>G, p.Ala30197Gly (NM_133378.4); c.71099C>G, p.Ala23700Gly (NM_003319.4); c.71474C>G, p.Ala23825Gly (NM_133432.3); c.71675C>G, p.Ala23892Gly (NM_133437.4); short protein forms A32765G, A30197G, A31124G, A23825G, A23892G, A23700G.
Identifiers: ClinVar variation 47598 (VCV000047598.95), dbSNP rs72648273, ClinGen allele CA141474.

ClinVar aggregate classification (germline): Conflicting classifications of pathogenicity. Review status: criteria provided, conflicting classifications (1 of 4 stars). 32 submissions from 28 submitters: Uncertain significance (4); Benign (5); Likely benign (15). 8 of the submissions do not count toward it. Last evaluated 2026-09-01.

Conditions:
TTN-related disorder. Also called: TTN-related disorders; TTN-related condition; TTN-related disease.
Cardiovascular phenotype. Identifiers: MedGen CN230736.
Autosomal recessive limb-girdle muscular dystrophy type 2J (LGMDR10). Also called: MUSCULAR DYSTROPHY, LIMB-GIRDLE, AUTOSOMAL RECESSIVE 10; Limb-girdle muscular dystrophy, type 2J. Identifiers: Orphanet 140922, MedGen C1837342, MONDO:0012127, OMIM 608807.
Dilated cardiomyopathy 1G (CMD1G). Identifiers: Orphanet 154, MedGen C1858763, MONDO:0011400, OMIM 604145.
Cardiomyopathy (CMYO). Also called: Cardiomyopathies. Identifiers: Orphanet 167848, MedGen C0878544, MONDO:0004994, HP:0001638. Inheritance: Various modes of inheritance.
Myopathy, myofibrillar, 9, with early respiratory failure (MFM9). Also called: Myopathy, distal, with early respiratory failure, autosomal dominant; Hereditary myopathy with early respiratory failure; EDSTROM MYOPATHY; MYOPATHY, PROXIMAL, WITH EARLY RESPIRATORY MUSCLE INVOLVEMENT. Identifiers: Orphanet 178464, Orphanet 34521, MedGen C1863599, MONDO:0011362, OMIM 603689.
Early-onset myopathy with fatal cardiomyopathy (CMYO5). Also called: CONGENITAL MYOPATHY 5 WITH CARDIOMYOPATHY; Salih Myopathy. Identifiers: Orphanet 289377, MedGen C2673677, MONDO:0012714, OMIM 611705. Disease mechanism: loss of function.
Tibial muscular dystrophy (TMD). Also called: Tibial muscular dystrophy, tardive; Udd Distal Myopathy – Tibial Muscular Dystrophy; UDD MYOPATHY. Identifiers: Orphanet 609, MedGen C1838244, MONDO:0010870, OMIM 600334.
Tip-toe gait. Also called: Toe walking. Identifiers: MedGen C0427144, HP:0030051.
Hypertrophic cardiomyopathy. Also called: HYPERTROPHIC MYOCARDIOPATHY. Identifiers: Orphanet 217569, MedGen C0007194, MeSH D002312, MONDO:0005045, HP:0001639.

Allele frequency attached by ClinVar (database versions not stated): 1000 Genomes Project 30x 0.00094; 1000 Genomes Project 0.00100; TOPMed 0.00225; gnomAD 0.00248 and 0.00253; ExAC 0.00283; ESP Exome Variant Server 0.00285; gnomAD exomes 0.00295 and 0.00299.
gnomAD v4.1: 4,679 of 1,613,794 alleles (0.29%); highest among the groups gnomAD compares: Middle Eastern, 0.43%; 7 homozygotes.

Submissions 1 to 18 of 32:

CeGaT Center for Human Genetics Tuebingen
Classification: Likely benign. Last evaluated: 2026-09-01. Review status: criteria provided, single submitter. Criteria: CeGaT Center For Human Genetics Tuebingen Variant Classification Criteria Version 2. Collection method: clinical testing. Allele origin: germline. Affected: yes. Observed: 32 variant alleles.
Comment: TTN: BS1

Labcorp Genetics (formerly Invitae), Labcorp
Classification: Likely benign for Dilated cardiomyopathy 1G; Autosomal recessive limb-girdle muscular dystrophy type 2J. Last evaluated: 2026-02-04. Review status: criteria provided, single submitter. Criteria: Invitae Variant Classification Sherloc (09022015). Collection method: clinical testing. Allele origin: germline.

Mayo Clinic Laboratories, Mayo Clinic
Classification: Benign. Last evaluated: 2025-10-21. Review status: criteria provided, single submitter. Criteria: ACMG Guidelines, 2015. Collection method: clinical testing. Allele origin: germline. Observed: 13 variant alleles.
Comment: BS1, BS2

Athena Diagnostics
Classification: Benign. Last evaluated: 2025-10-09. Review status: criteria provided, single submitter. Criteria: Athena Diagnostics Criteria. Collection method: clinical testing. Allele origin: unknown.
Comment: The frequency of this variant in the general population is higher than would generally be expected for pathogenic variants in this gene.

Molecular Diagnostic Laboratory for Inherited Cardiovascular Disease, Montreal Heart Institute
Classification: Likely benign. Last evaluated: 2025-04-09. Review status: criteria provided, single submitter. Criteria: ACMG Guidelines, 2015. Collection method: clinical testing. Allele origin: germline. Affected: no.

Blueprint Genetics
Classification: Likely benign. Last evaluated: 2024-11-26. Review status: criteria provided, single submitter. Criteria: ACMG Guidelines, 2015. Collection method: clinical testing. Allele origin: germline.

GeneDx
Classification: Likely benign. Last evaluated: 2022-04-25. Review status: criteria provided, single submitter. Criteria: GeneDx Variant Classification Process June 2021. Collection method: clinical testing. Allele origin: germline. Affected: yes.
Comment: See Variant Classification Assertion Criteria.

Women's Health and Genetics/Laboratory Corporation of America, LabCorp
Classification: Likely benign. Last evaluated: 2022-01-14. Review status: criteria provided, single submitter. Criteria: LabCorp Variant Classification Summary - May 2015. Collection method: clinical testing. Allele origin: germline.
Comment: Variant summary: TTN c.90590C>G (p.Ala30197Gly) results in a non-conservative amino acid change located in the A-band region of the encoded protein sequence. Four of five in-silico tools predict a damaging effect of the variant on protein function. The variant allele was found at a frequency of 0.003 in 248714 control chromosomes. The observed variant frequency is approximately 8 fold of the estimated maximal expected allele frequency for a pathogenic variant in TTN causing Dilated Cardiomyopathy phenotype (0.00039), strongly suggesting that the variant is benign. Although this variant has been reported as likely benign in the literature (example, Al-Shafai_2021), to our knowledge, no occurrence of c.90590C>G in individuals affected with Dilated Cardiomyopathy and/or other associated phenotypes such as Limb-Girdle Muscular Dystrophy, Type 2J and no experimental evidence demonstrating its impact on protein function have been reported. Multiple clinical diagnostic laboratories have submitted clinical-significance assessments for this variant to ClinVar after 2014 without evidence for independent evaluation with a predominant consensus as benign/lilely benign (n=11). Based on the evidence outlined above, the variant was classified as likely benign.

ARUP Laboratories, Molecular Genetics and Genomics, ARUP Laboratories
Classification: Likely benign. Last evaluated: 2021-08-15. Review status: criteria provided, single submitter. Criteria: ARUP Molecular Germline Variant Investigation Process 2021. Collection method: clinical testing. Allele origin: germline.

CHEO Genetics Diagnostic Laboratory, Children's Hospital of Eastern Ontario
Classification: Benign for Cardiomyopathy. Last evaluated: 2020-03-20. Review status: criteria provided, single submitter. Criteria: ACMG Guidelines, 2015. Collection method: clinical testing. Allele origin: germline. Study: Canadian Open Genetics Repository.

Illumina Laboratory Services, Illumina
Classification: Benign for Myopathy, myofibrillar, 9, with early respiratory failure. Last evaluated: 2018-01-13. Review status: criteria provided, single submitter. Criteria: ICSL Variant Classification Criteria 13 December 2019. Collection method: clinical testing. Allele origin: germline.
Comment: This variant was observed in the ICSL laboratory as part of a predisposition screen in an ostensibly healthy population. It had not been previously curated by ICSL or reported in the Human Gene Mutation Database (HGMD: prior to June 1st, 2018), and was therefore a candidate for classification through an automated scoring system. Utilizing variant allele frequency, disease prevalence and penetrance estimates, and inheritance mode, an automated score was calculated to assess if this variant is too frequent to cause the disease. Based on the score and internal cut-off values, a variant classified as benign is not then subjected to further curation. The score for this variant resulted in a classification of benign for this disease.

Illumina Laboratory Services, Illumina
Classification: Uncertain significance for Dilated cardiomyopathy 1G. Last evaluated: 2018-01-13. Review status: criteria provided, single submitter. Criteria: ICSL Variant Classification Criteria 13 December 2019. Collection method: clinical testing. Allele origin: germline.

Illumina Laboratory Services, Illumina
Classification: Uncertain significance for Autosomal recessive limb-girdle muscular dystrophy type 2J. Last evaluated: 2018-01-13. Review status: criteria provided, single submitter. Criteria: ICSL Variant Classification Criteria 13 December 2019. Collection method: clinical testing. Allele origin: germline.

Illumina Laboratory Services, Illumina
Classification: Benign for Tibial muscular dystrophy. Last evaluated: 2018-01-13. Review status: criteria provided, single submitter. Criteria: ICSL Variant Classification Criteria 13 December 2019. Collection method: clinical testing. Allele origin: germline.
Comment: the same text as in the submission from Illumina Laboratory Services, Illumina above.

Illumina Laboratory Services, Illumina
Classification: Uncertain significance for Early-onset myopathy with fatal cardiomyopathy. Last evaluated: 2018-01-13. Review status: criteria provided, single submitter. Criteria: ICSL Variant Classification Criteria 13 December 2019. Collection method: clinical testing. Allele origin: germline.

Center for Pediatric Genomic Medicine, Children's Mercy Hospital and Clinics
Classification: Likely benign. Last evaluated: 2017-06-26. Review status: criteria provided, single submitter. Criteria: ACMG Guidelines, 2015. Collection method: clinical testing. Allele origin: germline.

Center for Advanced Laboratory Medicine, UC San Diego Health, University of California San Diego
Classification: Likely benign for Hypertrophic cardiomyopathy. Last evaluated: 2017-03-27. Review status: criteria provided, single submitter. Criteria: ACMG Guidelines, 2015. Collection method: clinical testing. Allele origin: germline. Affected: yes. Observed: 2 variant alleles.

Laboratory for Molecular Medicine, Mass General Brigham Personalized Medicine
Classification: Likely benign. Last evaluated: 2016-01-13. Review status: criteria provided, single submitter. Criteria: LMM Criteria. Collection method: clinical testing. Allele origin: germline. Observed: 5 variant alleles.
Comment: p.Ala30197Gly in exon 301 of TTN: This variant is not expected to have clinical significance because it has been identified in 0.4% (281/66708) of European chro mosomes and 0.4% (28/6614) of Finnish chromosomes by the Exome Aggregation Conso rtium (ExAC; dbSNP rs72648273).